The following is an entry in ClinVar:

NM_006231.4(POLE):c.1771G>C (p.Glu591Gln)

Gene: POLE (DNA polymerase epsilon, catalytic subunit; minus strand). Cytogenetic location: 12q24.33.
Variant type: single nucleotide variant.
Coding change: c.1771G>C on transcript NM_006231.4 (MANE Select); coding-DNA position 1771, G replaced by C.
Protein change: p.Glu591Gln; replaces glutamic acid 591 with glutamine.
Molecular consequence: missense variant.
Genome position (GRCh38, 1-based): chr12:132,672,238, C>G on the plus strand (G>C on the coding strand, the complement: POLE is on the minus strand). VCF-style: chr12-132672238-C-G. GRCh37 (hg19) VCF-style: chr12-133248824-C-G.
Other names: c.1771G>C (NM_006231.2); short protein forms E591Q.
Identifiers: ClinVar variation 835023 (VCV000835023.12), dbSNP rs2042944634, ClinGen allele CA387356254.
Genomic context (GRCh38, chr12:132,672,238, plus strand): 5'-AACACAGACTGGCTCTTCCTGCCTCCCTGATGGTTACCTCTTCAAAGTTGGTGACTTGCT[C>G]CACAGGCACTTTCTCCTCTTCCTCAAGGGCGTGGCGCAAGGTCTTCTCAACCCGCTGCAG-3'
Protein context (NP_006222.2, residues 581-601): ALEEEEKVPV[Glu591Gln]QVTNFEEVCD

ClinVar aggregate classification (germline): Uncertain significance. Review status: criteria provided, multiple submitters, no conflicts (2 of 4 stars). 2 submissions from 2 submitters: Uncertain significance (2). Last evaluated 2025-11-17.

Conditions:
Hereditary cancer-predisposing syndrome. Also called: Hereditary neoplastic syndrome; Neoplastic Syndromes, Hereditary; Tumor predisposition; Hereditary Cancer Syndrome. Identifiers: Orphanet 140162, MedGen C0027672, MeSH D009386, MONDO:0015356.

Submissions (2):

Labcorp Genetics (formerly Invitae), Labcorp
Classification: Uncertain significance. Last evaluated: 2025-11-17. Review status: criteria provided, single submitter. Criteria: Invitae Variant Classification Sherloc (09022015). Collection method: clinical testing. Allele origin: germline.
Comment: This sequence change replaces glutamic acid, which is acidic and polar, with glutamine, which is neutral and polar, at codon 591 of the POLE protein (p.Glu591Gln). This variant is not present in population databases (gnomAD no frequency). This variant has not been reported in the literature in individuals affected with POLE-related conditions. ClinVar contains an entry for this variant (Variation ID: 835023). Invitae Evidence Modeling of protein sequence and biophysical properties (such as structural, functional, and spatial information, amino acid conservation, physicochemical variation, residue mobility, and thermodynamic stability) indicates that this missense variant is not expected to disrupt POLE protein function with a negative predictive value of 80%. In summary, the available evidence is currently insufficient to determine the role of this variant in disease. Therefore, it has been classified as a Variant of Uncertain Significance.

Ambry Genetics
Classification: Uncertain significance for Hereditary cancer-predisposing syndrome. Last evaluated: 2024-04-09. Review status: criteria provided, single submitter. Criteria: Ambry Variant Classification Scheme 2023. Collection method: clinical testing. Allele origin: germline.
Comment: The p.E591Q variant (also known as c.1771G>C), located in coding exon 16 of the POLE gene, results from a G to C substitution at nucleotide position 1771. The glutamic acid at codon 591 is replaced by glutamine, an amino acid with highly similar properties. This amino acid position is conserved. In addition, this alteration is predicted to be tolerated by in silico analysis. Based on the available evidence, the clinical significance of this variant remains unclear.